The following is an entry in ClinVar:

ClinVar aggregate classification (germline): Uncertain significance (1 of 4 stars; one submission).

Conditions:
Pelizaeus-Merzbacher disease. Also called: LEUKODYSTROPHY, HYPOMYELINATING, 1; Pelizaeus-Merzbacher spectrum disorder; Pelizaeus-Merzbacher Disease (PMD); Sudanophilic leukodystrophy; Pelizeaus-Merzbacher spectrum disorder. Identifiers: Orphanet 702, MedGen C0205711, MONDO:0010714, OMIM 312080, HP:0003269.

Submission:

3billion
Classification: Uncertain significance for Pelizaeus-Merzbacher disease. Last evaluated: 2022-01-03. Review status: criteria provided, single submitter. Criteria: ACMG Guidelines, 2015. Collection method: clinical testing. Allele origin: germline. Affected: yes. Observed: 1 hemizygote.
Comment: The variant not observed in the gnomAD v2.1.1 dataset (PM2_M). In silico tool predictions suggest damaging effect of the variant on gene or gene product (REVEL: 0.899, 3CNET: 0.992, PP3_P). A missense variant is a common mechanism associated with Pelizaeus-Merzbacher disease (PP2_P). Therefore, this variant is classified as uncertain significance according to the recommendation of ACMG/AMP guideline.

Literature cited by the submitters: PubMed 11093273.

NM_000533.5(PLP1):c.543G>C (p.Trp181Cys)

Genes: PLP1 (proteolipid protein 1; plus strand), RAB9B (RAB9B, member RAS oncogene family; minus strand). Cytogenetic location: Xq22.2.
Variant type: single nucleotide variant.
Coding change: c.543G>C on transcript NM_000533.5 (MANE Select); coding-DNA position 543, G replaced by C.
Protein change: p.Trp181Cys; replaces tryptophan 181 with cysteine.
Molecular consequence: missense variant.
Genome position (GRCh38, 1-based): chrX:103,787,887, G>C. VCF-style: chrX-103787887-G-C. GRCh37 (hg19) VCF-style: chrX-103042816-G-C.
Other names: c.543G>C, p.Trp181Cys (NM_001128834.3); c.378G>C, p.Trp126Cys (NM_001305004.1); c.438G>C, p.Trp146Cys (NM_199478.3); short protein forms W126C, W146C, W181C.
Identifiers: ClinVar variation 1333281 (VCV001333281.1), dbSNP rs2147766040, ClinGen allele CA414103861.